The following is an entry in ClinVar:

NM_016269.5(LEF1):c.7C>A (p.Gln3Lys)

Genes: LEF1 (lymphoid enhancer binding factor 1; minus strand), LEF1-AS1 (LEF1 antisense RNA 1; plus strand). Cytogenetic location: 4q25.
Variant type: single nucleotide variant.
Coding change: c.7C>A on transcript NM_016269.5 (MANE Select); coding-DNA position 7, C replaced by A.
Protein change: p.Gln3Lys; replaces glutamine 3 with lysine.
Molecular consequence: missense variant. On other transcripts: non-coding transcript variant (1).
Genome position (GRCh38, 1-based): chr4:108,167,761, G>T on the plus strand (C>A on the coding strand, the complement: LEF1 is on the minus strand). VCF-style: chr4-108167761-G-T. GRCh37 (hg19) VCF-style: chr4-109088917-G-T.
Other names: c.7C>A, p.Gln3Lys (NM_001130713.3, NM_001130714.3); short protein forms Q3K.
Identifiers: ClinVar variation 5038066 (VCV005038066.1).

ClinVar aggregate classification (germline): Uncertain significance (1 of 4 stars; one submission).

Conditions:
Ectodermal dysplasia 17 with or without limb malformations. Identifiers: MedGen C6012731, MONDO:0979228, OMIM 621224.

Submission:

MVZ Medizinische Genetik Mainz
Classification: Uncertain significance for Ectodermal dysplasia 17 with or without limb malformations. Last evaluated: 2026-09-02. Review status: criteria provided, single submitter. Criteria: UK Practice Guidelines For Variant Classification V4 01 2020. Collection method: clinical testing. Allele origin: germline. Inheritance: Autosomal dominant inheritance. Affected: yes. Observed: 1 variant allele.
Comment: ACMG Criteria: PP3_MOD,PM2_SUP